The following is an entry in ClinVar:

ClinVar aggregate classification (germline): Conflicting classifications of pathogenicity. Review status: criteria provided, conflicting classifications (1 of 4 stars). 3 submissions from 3 submitters: Uncertain significance (1); Likely benign (1). 1 of the submissions does not count toward it. Last evaluated 2026-01-19.

Conditions:
KMT2A-related disorder. Also called: KMT2A-related condition.

Allele frequency attached by ClinVar (database versions not stated): TOPMed below 0.00001; gnomAD 0.00001 and 0.00002; ExAC 0.00005; 1000 Genomes Project 0.00040; 1000 Genomes Project 30x 0.00062.
gnomAD v4.1: 39 of 1,614,184 alleles (0.0024%); highest among the groups gnomAD compares: East Asian, 0.022%; 1 homozygote.

Submissions (4):

Labcorp Genetics (formerly Invitae), Labcorp
Classification: Uncertain significance. Last evaluated: 2026-01-19. Review status: criteria provided, single submitter. Criteria: Invitae Variant Classification Sherloc (09022015). Collection method: clinical testing. Allele origin: germline.
Comment: This sequence change replaces cysteine, which is neutral and slightly polar, with glycine, which is neutral and non-polar, at codon 3430 of the KMT2A protein (p.Cys3430Gly). This variant is present in population databases (rs373345566, gnomAD 0.03%), including at least one homozygous and/or hemizygous individual. This variant has not been reported in the literature in individuals affected with KMT2A-related conditions. ClinVar contains an entry for this variant (Variation ID: 1327669). Invitae Evidence Modeling of protein sequence and biophysical properties (such as structural, functional, and spatial information, amino acid conservation, physicochemical variation, residue mobility, and thermodynamic stability) has been performed for this missense variant. However, the output from this modeling did not meet the statistical confidence thresholds required to predict the impact of this variant on KMT2A protein function. In summary, the available evidence is currently insufficient to determine the role of this variant in disease. Therefore, it has been classified as a Variant of Uncertain Significance.

GeneDx
Classification: Likely benign. Last evaluated: 2021-04-12. Review status: criteria provided, single submitter. Criteria: GeneDx Variant Classification Process June 2021. Collection method: clinical testing. Allele origin: germline. Affected: yes.

PreventionGenetics, part of Exact Sciences
Classification: Likely benign for KMT2A-related condition. Last evaluated: 2023-01-31. Review status: no assertion criteria provided. Collection method: clinical testing. Allele origin: germline. Not counted in ClinVar's aggregate classification.
Comment: This variant is classified as likely benign based on ACMG/AMP sequence variant interpretation guidelines (Richards et al. 2015 PMID: 25741868, with internal and published modifications).

Dr. Peter K. Rogan Lab, Western University
No classification provided (evidence only). Condition: Gastric cancer. Review status: no classification provided. Collection method: in vitro. Allele origin: not applicable. Functional consequence: retained intron. Not counted in ClinVar's aggregate classification.

NM_001197104.2(KMT2A):c.10288T>G (p.Cys3430Gly)

Gene: KMT2A (lysine methyltransferase 2A; plus strand). Cytogenetic location: 11q23.3.
Variant type: single nucleotide variant.
Coding change: c.10288T>G on transcript NM_001197104.2 (MANE Select); coding-DNA position 10288, T replaced by G.
Protein change: p.Cys3430Gly; replaces cysteine 3430 with glycine.
Molecular consequence: missense variant.
Genome position (GRCh38, 1-based): chr11:118,506,180, T>G. VCF-style: chr11-118506180-T-G. GRCh37 (hg19) VCF-style: chr11-118376895-T-G.
Other names: c.10279T>G, p.Cys3427Gly (NM_005933.4); short protein forms C3427G, C3430G.
Identifiers: ClinVar variation 1327669 (VCV001327669.9), dbSNP rs373345566, ClinGen allele CA6304717.
Genomic context (GRCh38, chr11:118,506,180, plus strand): 5'-CCACAACTGGGGACATCACAGACCCCCTCTACTGCTGCAATAACAGCGGCATCTAGCATC[T>G]GTGTGCTCCCCTCCACTCAGACTACGGGCATAACAGCCGCTTCACCTTCTGGGGAAGCAG-3'
Protein context (NP_001184033.1, residues 3420-3440): TAAITAASSI[Cys3430Gly]VLPSTQTTGI